The following is an entry in ClinVar:

ClinVar aggregate classification (germline): Benign (1 of 4 stars; one submission).

Conditions:
Familial cancer of breast. Also called: hereditary breast carcinoma; BREAST CANCER, FAMILIAL; Hereditary breast cancer. Identifiers: Orphanet 227535, MedGen C0346153, MONDO:0016419, OMIM 114480. Disease mechanism: loss of function.

Submission:

Myriad Genetics, Inc.
Classification: Benign for Familial cancer of breast. Last evaluated: 2024-06-24. Review status: criteria provided, single submitter. Criteria: Myriad Autosomal Dominant, Autosomal Recessive and X-Linked Classification Criteria (2023). Collection method: clinical testing. Allele origin: unknown.
Comment: This variant is considered benign. This variant is a silent/synonymous amino acid change and it is not expected to impact splicing.

NM_000051.4(ATM):c.9018T>G (p.Ala3006=)

Genes: ATM (ATM serine/threonine kinase; plus strand), C11orf65 (chromosome 11 open reading frame 65; minus strand). Cytogenetic location: 11q22.3.
Variant type: single nucleotide variant.
Coding change: c.9018T>G on transcript NM_000051.4 (MANE Select); coding-DNA position 9018, T replaced by G.
Protein change: p.Ala3006=; no amino-acid change (alanine 3006 retained).
Molecular consequence: synonymous variant. On other transcripts: intron variant (2).
Genome position (GRCh38, 1-based): chr11:108,365,355, T>G. VCF-style: chr11-108365355-T-G. GRCh37 (hg19) VCF-style: chr11-108236082-T-G.
Other names: c.9018T>G, p.Ala3006= (NM_001351834.2); c.640+20565A>C (NM_001330368.2); c.694+20565A>C (NM_001351110.2).
Identifiers: ClinVar variation 3254255 (VCV003254255.1), dbSNP rs2091236849.